The following is an entry in ClinVar:

ClinVar aggregate classification (germline): Likely benign (1 of 4 stars; one submission).

Allele frequency attached by ClinVar (database versions not stated): ExAC 0.00065; TOPMed 0.00167; gnomAD 0.00169; ESP Exome Variant Server 0.00177; 1000 Genomes Project 0.00200; 1000 Genomes Project 30x 0.00219.
gnomAD v4.1: 1,825 of 1,614,038 alleles (0.11%); highest among the groups gnomAD compares: African/African-American, 0.49%; 5 homozygotes.

Submission:

CeGaT Center for Human Genetics Tuebingen
Classification: Likely benign. Last evaluated: 2022-08-01. Review status: criteria provided, single submitter. Criteria: CeGaT Center For Human Genetics Tuebingen Variant Classification Criteria Version 2. Collection method: clinical testing. Allele origin: germline. Affected: yes. Observed: 1 variant allele.
Comment: AFDN: BP4, BP7

NM_001386888.1(AFDN):c.4227G>A (p.Ala1409=)

Gene: AFDN (afadin, adherens junction formation factor; plus strand). Cytogenetic location: 6q27.
Variant type: single nucleotide variant.
Coding change: c.4227G>A on transcript NM_001386888.1 (MANE Select); coding-DNA position 4227, G replaced by A.
Protein change: p.Ala1409=; no amino-acid change (alanine 1409 retained).
Molecular consequence: synonymous variant.
Genome position (GRCh38, 1-based): chr6:167,951,581, G>A. VCF-style: chr6-167951581-G-A. GRCh37 (hg19) VCF-style: chr6-168352261-G-A.
Other names: c.4206G>A, p.Ala1402= (NM_001040000.3, NM_001366319.2, NM_001366320.2); c.4155G>A, p.Ala1385= (NM_001207008.2); c.4083G>A, p.Ala1361= (NM_001291964.2); c.4185G>A, p.Ala1395= (NM_001366321.2); c.4182G>A, p.Ala1394= (NM_001410951.1).
Identifiers: ClinVar variation 2657134 (VCV002657134.24), dbSNP rs62427711, ClinGen allele CA4099747.